The following is an entry in ClinVar:

ClinVar aggregate classification (germline): Uncertain significance. Review status: criteria provided, multiple submitters, no conflicts (2 of 4 stars). 3 submissions from 3 submitters: Uncertain significance (3). Last evaluated 2025-10-28.

Conditions:
Marinesco-Sjögren syndrome (MSS). Also called: Marinesco-SjÃ¶gren syndrome; Marinesco-Sjogren Syndrome. Identifiers: Orphanet 559, MedGen C0024814, MONDO:0009567, OMIM 248800.

Allele frequency attached by ClinVar (database versions not stated): TOPMed 0.00001.
gnomAD v4.1: 2 of 1,614,146 alleles (0.00012%); highest among the groups gnomAD compares: Admixed American, 0.0033%; no homozygotes.

Submissions (3):

Athena Diagnostics
Classification: Uncertain significance. Last evaluated: 2025-10-28. Review status: criteria provided, single submitter. Criteria: Athena Diagnostics Criteria. Collection method: clinical testing. Allele origin: unknown.
Comment: Available data are insufficient to determine the clinical significance of the variant at this time. The frequency of this variant in the general population is uninformative in assessment of its pathogenicity. Polyphen and MutationTaster yielded discordant predictions regarding whether this amino acid change is damaging to the protein.

GeneDx
Classification: Uncertain significance. Last evaluated: 2024-06-18. Review status: criteria provided, single submitter. Criteria: GeneDx Variant Classification Process June 2021. Collection method: clinical testing. Allele origin: germline. Affected: yes.
Comment: Not observed at significant frequency in large population cohorts (gnomAD); In silico analysis supports that this missense variant has a deleterious effect on protein structure/function; Has not been previously published as pathogenic or benign to our knowledge

Revvity Omics, Revvity
Classification: Uncertain significance for Marinesco-Sjögren syndrome. Last evaluated: 2023-02-09. Review status: criteria provided, single submitter. Criteria: ACMG Guidelines, 2015. Collection method: clinical testing. Allele origin: germline.

NM_022464.5(SIL1):c.674T>C (p.Phe225Ser)

Gene: SIL1 (SIL1 nucleotide exchange factor; minus strand). Cytogenetic location: 5q31.2.
Variant type: single nucleotide variant.
Coding change: c.674T>C on transcript NM_022464.5 (MANE Select); coding-DNA position 674, T replaced by C.
Protein change: p.Phe225Ser; replaces phenylalanine 225 with serine.
Molecular consequence: missense variant.
Genome position (GRCh38, 1-based): chr5:139,021,264, A>G on the plus strand (T>C on the coding strand, the complement: SIL1 is on the minus strand). VCF-style: chr5-139021264-A-G. GRCh37 (hg19) VCF-style: chr5-138356953-A-G.
Other names: c.674T>C, p.Phe225Ser (NM_001037633.2); c.674T>C (NM_022464.4); short protein forms F225S.
Identifiers: ClinVar variation 2689988 (VCV002689988.4), dbSNP rs751368645, ClinGen allele CA3432511.